The following is an entry in ClinVar:

NM_021118.3(CYLC1):c.17+4A>G

Gene: CYLC1 (cylicin 1; plus strand). Cytogenetic location: Xq21.1.
Variant type: single nucleotide variant.
Coding change: c.17+4A>G on transcript NM_021118.3 (MANE Select); 4 bases into the intron after coding-DNA position 17, A replaced by G.
Molecular consequence: intron variant.
Genome position (GRCh38, 1-based): chrX:83,861,203, A>G. VCF-style: chrX-83861203-A-G. GRCh37 (hg19) VCF-style: chrX-83116211-A-G.
Other names: c.14+7A>G (NM_001271680.2).
Identifiers: ClinVar variation 3024817 (VCV003024817.22), dbSNP rs748275389, ClinGen allele CA10462853.

ClinVar aggregate classification (germline): Likely benign (1 of 4 stars; one submission).

Allele frequency attached by ClinVar (database versions not stated): TOPMed 0.00003; gnomAD exomes 0.00004; ExAC 0.00005; gnomAD 0.00005.
gnomAD v4.1: 49 of 1,185,289 alleles (0.0041%); highest among the groups gnomAD compares: Admixed American, 0.0045%; no homozygotes.

Submission:

CeGaT Center for Human Genetics Tuebingen
Classification: Likely benign. Last evaluated: 2024-02-01. Review status: criteria provided, single submitter. Criteria: CeGaT Center For Human Genetics Tuebingen Variant Classification Criteria Version 2. Collection method: clinical testing. Allele origin: germline. Affected: yes. Observed: 1 variant allele.
Comment: CYLC1: BS2